The following is an entry in ClinVar:

ClinVar aggregate classification (germline): Uncertain significance (0 of 4 stars; one submission).

Conditions:
GNAS-related disorder. Identifiers: MedGen CN380105.

Allele frequency attached by ClinVar (database versions not stated): gnomAD 0.00007.
gnomAD v4.1: 17 of 1,608,786 alleles (0.0011%); highest among the groups gnomAD compares: Admixed American, 0.028%; no homozygotes.

Submission:

PreventionGenetics, part of Exact Sciences
Classification: Uncertain significance for GNAS-related condition. Last evaluated: 2024-02-20. Review status: no assertion criteria provided. Collection method: clinical testing. Allele origin: germline.
Comment: The GNAS c.505C>T variant is predicted to result in premature protein termination (p.Arg169*). To our knowledge, this variant has not been reported in the literature. This variant is reported in 0.020% of alleles in individuals of Latino descent in gnomAD. Transcript NM_016592.3 only has one coding exon and encodes neuroendocrine secretory protein 55 (NESP55). This exon is located ~51kb upstream of the first exon of the primary transcript (NM_000516.5) of GNAS. To our knowledge, only large deletions of this region are conclusively pathogenic for pseudohypoparathyroidism type-Ib (PHP-Ib) due to methylation defects, of which obesity is not typically characteristic feature (Turan and Bastepe. 2015. PubMed ID: 25851935). Although, in some studies single nucleotide variants (SNVs) within this region have been reported in related diseases, the pathogenicity is still unknown (see for example in Table 3 of Long et al. 2018. PubMed ID: 30022773). Taken together, at this time, the clinical significance of this nonsense variant is uncertain due to the absence of conclusive functional and genetic evidence.

NM_016592.5(GNAS):c.505C>T (p.Arg169Ter)

Genes: GNAS (GNAS complex locus; plus strand), GNAS-AS1 (GNAS antisense RNA 1; minus strand). Cytogenetic location: 20q13.32.
Variant type: single nucleotide variant.
Coding change: c.505C>T on transcript NM_016592.5 (MANE Plus Clinical); coding-DNA position 505, C replaced by T.
Protein change: p.Arg169Ter; replaces arginine 169 with a stop codon.
Molecular consequence: nonsense. On other transcripts: 5 prime UTR variant (1).
Genome position (GRCh38, 1-based): chr20:58,840,611, C>T. VCF-style: chr20-58840611-C-T. GRCh37 (hg19) VCF-style: chr20-57415666-C-T.
Other names: c.-233C>T (NM_001410912.1); short protein forms R169*.
Identifiers: ClinVar variation 3045751 (VCV003045751.2), dbSNP rs751030899, ClinGen allele CA9926344.